The following is an entry in ClinVar:

NM_000371.4(TTR):c.35C>T (p.Ala12Val)

Gene: TTR (transthyretin; plus strand). Cytogenetic location: 18q12.1.
Variant type: single nucleotide variant.
Coding change: c.35C>T on transcript NM_000371.4 (MANE Select); coding-DNA position 35, C replaced by T.
Protein change: p.Ala12Val; replaces alanine 12 with valine.
Molecular consequence: missense variant.
Genome position (GRCh38, 1-based): chr18:31,591,937, C>T. VCF-style: chr18-31591937-C-T. GRCh37 (hg19) VCF-style: chr18-29171900-C-T.
Other names: short protein forms A12V.
Identifiers: ClinVar variation 2093779 (VCV002093779.4), dbSNP rs2073488167, ClinGen allele CA402156307.

ClinVar aggregate classification (germline): Uncertain significance (1 of 4 stars; one submission).

Conditions:
Amyloidosis, hereditary systemic 1 (AMYLD1). Also called: Hereditary Transthyretin Amyloidosis; Familial amyloid polyneuropathy; Transthyretin Amyloidosis; Isolated Cardiac Amyloidosis; Amyloid Cardiomyopathy, Transthyretin-related; Hereditary oculoleptomeningeal amyloid angiopathy. Identifiers: Orphanet 85447, Orphanet 85451, MedGen C2751492, MONDO:0971004, OMIM 105210.

Submission:

Labcorp Genetics (formerly Invitae), Labcorp
Classification: Uncertain significance for Amyloidosis, hereditary systemic 1. Last evaluated: 2022-02-06. Review status: criteria provided, single submitter. Criteria: Invitae Variant Classification Sherloc (09022015). Collection method: clinical testing. Allele origin: germline.
Comment: This sequence change replaces alanine, which is neutral and non-polar, with valine, which is neutral and non-polar, at codon 12 of the TTR protein (p.Ala12Val). This variant is not present in population databases (gnomAD no frequency). This variant has not been reported in the literature in individuals affected with TTR-related conditions. Advanced modeling of protein sequence and biophysical properties (such as structural, functional, and spatial information, amino acid conservation, physicochemical variation, residue mobility, and thermodynamic stability) performed at Invitae indicates that this missense variant is expected to disrupt TTR protein function. In summary, the available evidence is currently insufficient to determine the role of this variant in disease. Therefore, it has been classified as a Variant of Uncertain Significance.